The following is an entry in ClinVar:

NM_014946.4(SPAST):c.1740_1741delinsGT (p.Ile580_Arg581delinsMetTer)

Gene: SPAST (spastin; plus strand). Cytogenetic location: 2p22.3.
Variant type: Indel.
Coding change: c.1740_1741delinsGT on transcript NM_014946.4 (MANE Select); coding-DNA positions 1740 to 1741, TC replaced by GT.
Protein change: p.Ile580_Arg581delinsMetTer.
Molecular consequence: nonsense. On other transcripts: 3 prime UTR variant (1).
Genome position (GRCh38, 1-based): chr2:32,154,385-32,154,386, TC replaced by GT. VCF-style: chr2-32154385-TC-GT. GRCh37 (hg19) VCF-style: chr2-32379454-TC-GT.
Other names: c.1737_1738delinsGT, p.Ile579_Arg580delinsMetTer (NM_001363823.2); c.1641_1642delinsGT, p.Ile547_Arg548delinsMetTer (NM_001363875.2); c.*13_*14delinsGT (NM_001377959.1); c.1644_1645delinsGT, p.Ile548_Arg549delinsMetTer (NM_199436.2).
Identifiers: ClinVar variation 3722250 (VCV003722250.2).

ClinVar aggregate classification (germline): Pathogenic (1 of 4 stars; one submission).

Conditions:
Hereditary spastic paraplegia 4. Also called: Spastic paraplegia 4, autosomal dominant; Spastic Paraplegia 4; Familial spastic paraplegia autosomal dominant 2. Identifiers: Orphanet 100985, MedGen C1866855, MONDO:0008438, OMIM 182601.

Submission:

Labcorp Genetics (formerly Invitae), Labcorp
Classification: Pathogenic for Hereditary spastic paraplegia 4. Last evaluated: 2025-02-18. Review status: criteria provided, single submitter. Criteria: Invitae Variant Classification Sherloc (09022015). Collection method: clinical testing. Allele origin: germline.
Comment: This sequence change creates a premature translational stop signal (p.Ile580_Arg581delinsMet*) in the SPAST gene. While this is not anticipated to result in nonsense mediated decay, it is expected to disrupt the last 37 amino acid(s) of the SPAST protein. Information on the frequency of this variant in the gnomAD database is not available, as this variant may be reported differently in the database. This variant has not been reported in the literature in individuals affected with SPAST-related conditions. This variant disrupts a region of the SPAST protein in which other variant(s) (p.Ser595Arg) have been determined to be pathogenic (PMID: 24824479; internal data). This suggests that this is a clinically significant region of the protein, and that variants that disrupt it are likely to be disease-causing. For these reasons, this variant has been classified as Pathogenic.

Literature cited by the submitters: PubMed 24824479.